The following is an entry in ClinVar:

ClinVar aggregate classification (germline): Uncertain significance (1 of 4 stars; one submission).

Submission:

Greenwood Genetic Center Diagnostic Laboratories, Greenwood Genetic Center
Classification: Uncertain significance. Last evaluated: 2025-04-04. Review status: criteria provided, single submitter. Criteria: ACMG Guidelines, 2015. Collection method: clinical testing. Allele origin: germline. Affected: yes.
Comment: Gene of Uncertain Significance

NM_001163278.2(TENM1):c.1876+2T>G

Gene: TENM1 (teneurin transmembrane protein 1; minus strand). Cytogenetic location: Xq25.
Variant type: single nucleotide variant.
Coding change: c.1876+2T>G on transcript NM_001163278.2 (MANE Select); the canonical splice donor site of the intron after coding-DNA position 1876, T replaced by G.
Molecular consequence: splice donor variant.
Genome position (GRCh38, 1-based): chrX:124,645,141, A>C on the plus strand (T>G on the coding strand, the complement: TENM1 is on the minus strand). VCF-style: chrX-124645141-A-C. GRCh37 (hg19) VCF-style: chrX-123778991-A-C.
Other names: c.1873+2T>G (NM_001163279.1); c.1876+2T>G (NM_014253.3).
Identifiers: ClinVar variation 4538193 (VCV004538193.1).